The following is an entry in ClinVar:

ClinVar aggregate classification (germline): Likely benign. Review status: reviewed by expert panel (3 of 4 stars). 7 submissions from 7 submitters: Likely benign (1). 6 of the submissions do not count toward it. Last evaluated 2017-06-29.

Conditions:
Hereditary cancer-predisposing syndrome. Also called: Neoplastic Syndromes, Hereditary; Hereditary neoplastic syndrome; Tumor predisposition; Hereditary Cancer Syndrome. Identifiers: Orphanet 140162, MedGen C0027672, MeSH D009386, MONDO:0015356.
Breast-ovarian cancer, familial, susceptibility to, 2 (BROVCA2). Also called: BRCA2 Hereditary Breast and Ovarian Cancer. Identifiers: Orphanet 145, MedGen C2675520, MONDO:0012933, OMIM 612555. Disease mechanism: loss of function.
Hereditary breast ovarian cancer syndrome. Also called: Hereditary breast and ovarian cancer; Breast and ovarian cancer; BRCA1- and BRCA2-Associated Hereditary Breast and Ovarian Cancer; Hereditary breast and ovarian cancer syndrome (HBOC); Hereditary breast and/or ovarian cancer syndrome; Hereditary breast and ovarian cancer syndrome. Identifiers: Orphanet 145, MedGen C0677776, MeSH D061325, MONDO:0003582. Disease mechanism: loss of function.

Allele frequency attached by ClinVar (database versions not stated): gnomAD exomes below 0.00001 and 0.00001; ExAC 0.00002.
gnomAD v4.1: 7 of 1,614,190 alleles (0.00043%); highest among the groups gnomAD compares: South Asian, 0.0066%; no homozygotes.

Submissions (7):

Evidence-based Network for the Interpretation of Germline Mutant Alleles (ENIGMA)
Classification: Likely benign for Breast-ovarian cancer, familial, susceptibility to, 2. Last evaluated: 2017-06-29. Review status: reviewed by expert panel. Criteria: ENIGMA BRCA1/2 Classification Criteria (2017-06-29). Collection method: curation. Allele origin: germline.
Comment: Synonymous substitution variant, with low bioinformatic likelihood to result in a splicing aberration (Splicing prior probability 0.02).

Labcorp Genetics (formerly Invitae), Labcorp
Classification: Likely benign for Hereditary breast ovarian cancer syndrome. Last evaluated: 2025-10-06. Review status: criteria provided, single submitter. Criteria: Invitae Variant Classification Sherloc (09022015). Collection method: clinical testing. Allele origin: germline. Not counted in ClinVar's aggregate classification.

All of Us Research Program, National Institutes of Health
Classification: Likely benign for Breast-ovarian cancer, familial, susceptibility to, 2. Last evaluated: 2023-07-22. Review status: criteria provided, single submitter. Criteria: ACMG Guidelines, 2015. Collection method: clinical testing. Allele origin: germline. Inheritance: Autosomal dominant inheritance. Observed: 1 variant allele, 1 heterozygote. Not counted in ClinVar's aggregate classification.
Comment: This study involves interpretation of variants in research participants for the purpose of population health screening. Participant phenotype was not available at the time of variant classification. Additional details can be found in publication PMID: 35346344, PMCID: PMC8962531

Women's Health and Genetics/Laboratory Corporation of America, LabCorp
Classification: Likely benign. Last evaluated: 2022-12-15. Review status: criteria provided, single submitter. Criteria: LabCorp Variant Classification Summary - May 2015. Collection method: clinical testing. Allele origin: germline. Not counted in ClinVar's aggregate classification.
Comment: Variant summary: BRCA2 c.8715T>C alters a non-conserved nucleotide resulting in a synonymous change. 4/4 computational tools predict no significant impact on normal splicing. However, these predictions have yet to be confirmed by functional studies. The variant allele was found at a frequency of 1.2e-05 in 251282 control chromosomes. The available data on variant occurrences in the general population are insufficient to allow any conclusion about variant significance. To our knowledge, no occurrence of c.8715T>C in individuals affected with Hereditary Breast And Ovarian Cancer Syndrome and no experimental evidence demonstrating its impact on protein function have been reported. Three clinical diagnostic laboratories and an expert panel (ENIGMA) have provided clinical-significance assessments for this variant in ClinVar after 2014. All submitters classified the variant as likely benign. Based on the evidence outlined above, the variant was classified as likely benign.

Color Diagnostics, LLC DBA Color Health
Classification: Likely benign for Hereditary cancer-predisposing syndrome. Last evaluated: 2019-06-05. Review status: criteria provided, single submitter. Criteria: ACMG Guidelines, 2015. Collection method: clinical testing. Allele origin: germline. Not counted in ClinVar's aggregate classification.

Ambry Genetics
Classification: Likely benign for Hereditary cancer-predisposing syndrome. Last evaluated: 2019-05-30. Review status: criteria provided, single submitter. Criteria: Ambry Variant Classification Scheme 2023. Collection method: clinical testing. Allele origin: germline. Not counted in ClinVar's aggregate classification.

GeneDx
Classification: Likely benign. Last evaluated: 2016-06-09. Review status: criteria provided, single submitter. Criteria: GeneDx Variant Classification (06012015). Collection method: clinical testing. Allele origin: germline. Affected: yes. Not counted in ClinVar's aggregate classification.
Comment: This variant is considered likely benign or benign based on one or more of the following criteria: it is a conservative change, it occurs at a poorly conserved position in the protein, it is predicted to be benign by multiple in silico algorithms, and/or has population frequency not consistent with disease.

NM_000059.4(BRCA2):c.8715T>C (p.Tyr2905=)

Gene: BRCA2 (BRCA2 DNA repair associated; plus strand). Cytogenetic location: 13q13.1.
Variant type: single nucleotide variant.
Coding change: c.8715T>C on transcript NM_000059.4 (MANE Select); coding-DNA position 8715, T replaced by C.
Protein change: p.Tyr2905=; no amino-acid change (tyrosine 2905 retained).
Molecular consequence: synonymous variant.
Genome position (GRCh38, 1-based): chr13:32,376,752, T>C. VCF-style: chr13-32376752-T-C. GRCh37 (hg19) VCF-style: chr13-32950889-T-C.
Identifiers: ClinVar variation 386902 (VCV000386902.21), dbSNP rs45555831, ClinGen allele CA6941286.